The following is an entry in ClinVar:

ClinVar aggregate classification (germline): Likely benign (0 of 4 stars; one submission).

Conditions:
COL6A2-related disorder.

Allele frequency attached by ClinVar (database versions not stated): gnomAD exomes below 0.00001; ExAC 0.00001; TOPMed 0.00001.
gnomAD v4.1: 6 of 1,612,012 alleles (0.00037%); highest among the groups gnomAD compares: East Asian, 0.0022%; no homozygotes.

Submission:

PreventionGenetics, part of Exact Sciences
Classification: Likely benign for COL6A2-related condition. Last evaluated: 2019-08-14. Review status: no assertion criteria provided. Collection method: clinical testing. Allele origin: germline.
Comment: This variant is classified as likely benign based on ACMG/AMP sequence variant interpretation guidelines (Richards et al. 2015 PMID: 25741868, with internal and published modifications).

NM_001849.4(COL6A2):c.1791C>T (p.Tyr597=)

Gene: COL6A2 (collagen type VI alpha 2 chain; plus strand). Cytogenetic location: 21q22.3.
Variant type: single nucleotide variant.
Coding change: c.1791C>T on transcript NM_001849.4 (MANE Select); coding-DNA position 1791, C replaced by T.
Protein change: p.Tyr597=; no amino-acid change (tyrosine 597 retained).
Molecular consequence: synonymous variant.
Genome position (GRCh38, 1-based): chr21:46,125,286, C>T. VCF-style: chr21-46125286-C-T. GRCh37 (hg19) VCF-style: chr21-47545200-C-T.
Other names: c.1791C>T, p.Tyr597= (NM_058174.3, NM_058175.3).
Identifiers: ClinVar variation 3052827 (VCV003052827.2), dbSNP rs776755125, ClinGen allele CA10072216.